The following is an entry in ClinVar:

NM_020738.4(KIDINS220):c.4379A>G (p.Tyr1460Cys)

Gene: KIDINS220 (kinase D interacting substrate 220; minus strand). Cytogenetic location: 2p25.1.
Variant type: single nucleotide variant.
Coding change: c.4379A>G on transcript NM_020738.4 (MANE Select); coding-DNA position 4379, A replaced by G.
Protein change: p.Tyr1460Cys; replaces tyrosine 1460 with cysteine.
Molecular consequence: missense variant. On other transcripts: intron variant (6).
Genome position (GRCh38, 1-based): chr2:8,731,657, T>C on the plus strand (A>G on the coding strand, the complement: KIDINS220 is on the minus strand). VCF-style: chr2-8731657-T-C. GRCh37 (hg19) VCF-style: chr2-8871787-T-C.
Other names: c.4382A>G, p.Tyr1461Cys (NM_001348729.2); c.4325A>G, p.Tyr1442Cys (NM_001348731.2); c.4322A>G, p.Tyr1441Cys (NM_001348732.2); c.4211A>G, p.Tyr1404Cys (NM_001348734.2); c.4208A>G, p.Tyr1403Cys (NM_001348735.2); c.4082A>G, p.Tyr1361Cys (NM_001348736.2); c.3882+1787A>G (NM_001348741.2, NM_001348742.2, NM_001348743.2); c.3996+1787A>G (NM_001348738.2); and 1 more; short protein forms Y1361C, Y1403C, Y1442C, Y1461C, Y1404C, Y1441C, Y1460C.
Identifiers: ClinVar variation 3731027 (VCV003731027.1).
Genomic context (GRCh38, chr2:8,731,657, plus strand): 5'-TCTTCTTCAGTGATAGGATCCAGGGGGGAAGCATCGTTGGTGGAAACCCCTGATGATGAA[T>C]AATCGATAACATCTCCCCTCTTCATTAGAAAGGACTTCCTCCCATCATCGGGCTTTGGTT-3'
Protein context (NP_065789.1, residues 1450-1470): FLMKRGDVID[Tyr1460Cys]SSSGVSTNDA

ClinVar aggregate classification (germline): Uncertain significance (1 of 4 stars; one submission).

gnomAD v4.1: 1 of 1,614,234 alleles (0.000062%); highest among the groups gnomAD compares: Admixed American, 0.0017%; no homozygotes.

Submission:

GeneDx
Classification: Uncertain significance. Last evaluated: 2024-08-15. Review status: criteria provided, single submitter. Criteria: GeneDx Variant Classification Process June 2021. Collection method: clinical testing. Allele origin: germline. Affected: yes.
Comment: In silico analysis supports that this missense variant has a deleterious effect on protein structure/function; Has not been previously published as pathogenic or benign to our knowledge